The following is an entry in ClinVar:

ClinVar aggregate classification (germline): Conflicting classifications of pathogenicity. Review status: criteria provided, conflicting classifications (1 of 4 stars). 8 submissions from 8 submitters: Uncertain significance (2); Benign (2); Likely benign (4). Last evaluated 2026-08-22.

Conditions:
ANKRD1-related disorder. Also called: ANKRD1-related condition.
Cardiovascular phenotype. Identifiers: MedGen CN230736.
Cardiomyopathy (CMYO). Also called: Cardiomyopathies. Identifiers: Orphanet 167848, MedGen C0878544, MONDO:0004994, HP:0001638. Inheritance: Various modes of inheritance.
ANKRD1-related dilated cardiomyopathy. Identifiers: MedGen CN119551.

Allele frequency attached by ClinVar (database versions not stated): TOPMed 0.00002; 1000 Genomes Project 30x 0.00016; 1000 Genomes Project 0.00020; gnomAD exomes 0.00024 and 0.00052; gnomAD 0.00042 and 0.00043; ExAC 0.00043.
gnomAD v4.1: 414 of 1,611,948 alleles (0.026%); highest among the groups gnomAD compares: Non-Finnish European, 0.0046%; 2 homozygotes.

Submissions (8):

PreventionGenetics, part of Exact Sciences
Classification: Likely benign for ANKRD1-related condition. Last evaluated: 2026-08-22. Review status: criteria provided, single submitter. Criteria: ACMG Guidelines, 2015. Collection method: clinical testing. Allele origin: germline.
Comment: This variant is classified as likely benign based on ACMG/AMP sequence variant interpretation guidelines (Richards et al. 2015 PMID: 25741868, with internal and published modifications).

Labcorp Genetics (formerly Invitae), Labcorp
Classification: Benign for ANKRD1-related dilated cardiomyopathy. Last evaluated: 2025-10-23. Review status: criteria provided, single submitter. Criteria: Invitae Variant Classification Sherloc (09022015). Collection method: clinical testing. Allele origin: germline.

Blueprint Genetics
Classification: Likely benign. Last evaluated: 2024-06-17. Review status: criteria provided, single submitter. Criteria: ACMG Guidelines, 2015. Collection method: clinical testing. Allele origin: germline.

Ambry Genetics
Classification: Likely benign for Cardiovascular phenotype. Last evaluated: 2024-03-21. Review status: criteria provided, single submitter. Criteria: Ambry Variant Classification Scheme 2023. Collection method: clinical testing. Allele origin: germline.

Women's Health and Genetics/Laboratory Corporation of America, LabCorp
Classification: Likely benign. Last evaluated: 2024-03-04. Review status: criteria provided, single submitter. Criteria: LabCorp Variant Classification Summary - May 2015. Collection method: clinical testing. Allele origin: germline.
Comment: Variant summary: ANKRD1 c.417C>A (p.Phe139Leu) results in a non-conservative amino acid change in the encoded protein sequence. Three of five in-silico tools predict a damaging effect of the variant on protein function. The variant allele was found at a frequency of 0.00052 in 250530 control chromosomes (gnomAD). The observed variant frequency is approximately 21-fold of the estimated maximal expected allele frequency for a pathogenic variant in ANKRD1 causing Cardiomyopathy phenotype (2.5e-05), strongly suggesting that the variant is benign. c.417C>A has been reported in the literature as a VUS in settings of multigene panel testing in an individual affected with Dilated Cardiomyopathy and in cases of sudden cardiac death, without strong evidence for causality (e.g. Pugh_2014, Hertz_2016, Vahatalo_2021). These reports do not provide unequivocal conclusions about association of the variant with Cardiomyopathy. To our knowledge, no experimental evidence demonstrating an impact on protein function has been reported. The following publications have been ascertained in the context of this evaluation (PMID: 26383259, 24503780, 35087879). ClinVar contains an entry for this variant (Variation ID: 45634). Based on the evidence outlined above, the variant was classified as likely benign.

CHEO Genetics Diagnostic Laboratory, Children's Hospital of Eastern Ontario
Classification: Benign for Cardiomyopathy. Last evaluated: 2021-05-10. Review status: criteria provided, single submitter. Criteria: ACMG Guidelines, 2015. Collection method: clinical testing. Allele origin: germline.

GeneDx
Classification: Uncertain significance. Last evaluated: 2019-05-06. Review status: criteria provided, single submitter. Criteria: GeneDx Variant Classification Process June 2021. Collection method: clinical testing. Allele origin: germline. Affected: yes.
Comment: In silico analysis, which includes protein predictors and evolutionary conservation, supports a deleterious effect; This variant is associated with the following publications: (PMID: 26383259)

Laboratory for Molecular Medicine, Mass General Brigham Personalized Medicine
Classification: Uncertain significance. Last evaluated: 2012-10-24. Review status: criteria provided, single submitter. Criteria: LMM Criteria. Collection method: clinical testing. Allele origin: germline. Observed: 1 variant allele.
Comment: Variant classified as Uncertain Significance - Favor Benign. In addition, this vari ant has been identified in 1/186 Finnish chromosomes by the 1000 Genomes Sequenc ing Project (dbSNP rs201398260), though this could repre sent a presymptomatic individual. Phenylalanine (Phe) at this position is not co nserved in mammals or evolutionarily distant species, suggesting that a change a t this position may be tolerated. Additional computational analyses (biochemical amino acid properties, AlignGVGD, PolyPhen2, and SIFT) do not provide strong su pport for or against an impact to the protein. Although this data supports that the Phe139Leu variant may be benign, additional studies are needed to fully asse ss its clinical significance.

Literature cited by the submitters: PubMed 24503780 (cited by Women's Health and Genetics/Laboratory Corporation of America, LabCorp); PubMed 26383259 (cited by Women's Health and Genetics/Laboratory Corporation of America, LabCorp); PubMed 35087879 (cited by Women's Health and Genetics/Laboratory Corporation of America, LabCorp).

NM_014391.3(ANKRD1):c.417C>A (p.Phe139Leu)

Gene: ANKRD1 (ankyrin repeat domain 1; minus strand). Cytogenetic location: 10q23.31.
Variant type: single nucleotide variant.
Coding change: c.417C>A on transcript NM_014391.3 (MANE Select); coding-DNA position 417, C replaced by A.
Protein change: p.Phe139Leu; replaces phenylalanine 139 with leucine.
Molecular consequence: missense variant.
Genome position (GRCh38, 1-based): chr10:90,918,901, G>T on the plus strand (C>A on the coding strand, the complement: ANKRD1 is on the minus strand). VCF-style: chr10-90918901-G-T. GRCh37 (hg19) VCF-style: chr10-92678658-G-T.
Other names: short protein forms F139L.
Identifiers: ClinVar variation 45634 (VCV000045634.22), dbSNP rs201398260, ClinGen allele CA136841.